The following is an entry in ClinVar:

NM_006389.5(HYOU1):c.1205+4A>C

Genes: HYOU1 (hypoxia up-regulated 1; minus strand), LOC130006884 (ATAC-STARR-seq lymphoblastoid active region 5617; plus strand). Cytogenetic location: 11q23.3.
Variant type: single nucleotide variant.
Coding change: c.1205+4A>C on transcript NM_006389.5 (MANE Select); 4 bases into the intron after coding-DNA position 1205, A replaced by C.
Molecular consequence: intron variant.
Genome position (GRCh38, 1-based): chr11:119,052,086, T>G on the plus strand (A>C on the coding strand, the complement: HYOU1 is on the minus strand). VCF-style: chr11-119052086-T-G. GRCh37 (hg19) VCF-style: chr11-118922798-T-G.
Other names: c.1205+4A>C (NM_001130991.3).
Identifiers: ClinVar variation 2020789 (VCV002020789.4), dbSNP rs2497168363, ClinGen allele CA2580083619.

ClinVar aggregate classification (germline): Uncertain significance (1 of 4 stars; one submission).

Submission:

Labcorp Genetics (formerly Invitae), Labcorp
Classification: Uncertain significance. Last evaluated: 2022-07-30. Review status: criteria provided, single submitter. Criteria: Invitae Variant Classification Sherloc (09022015). Collection method: clinical testing. Allele origin: germline.
Comment: In summary, the available evidence is currently insufficient to determine the role of this variant in disease. Therefore, it has been classified as a Variant of Uncertain Significance. Variants that disrupt the consensus splice site are a relatively common cause of aberrant splicing (PMID: 17576681, 9536098). This variant has not been reported in the literature in individuals affected with HYOU1-related conditions. This variant is not present in population databases (gnomAD no frequency). This sequence change falls in intron 11 of the HYOU1 gene. It does not directly change the encoded amino acid sequence of the HYOU1 protein. It affects a nucleotide within the consensus splice site.

Literature cited by the submitters: PubMed 17576681; PubMed 9536098.